The following is an entry in ClinVar:

NM_001256627.2(BRSK2):c.1041G>A (p.Gln347=)

Gene: BRSK2 (BR serine/threonine kinase 2; plus strand). Cytogenetic location: 11p15.5.
Variant type: single nucleotide variant.
Coding change: c.1041G>A on transcript NM_001256627.2 (MANE Select); coding-DNA position 1041, G replaced by A.
Protein change: p.Gln347=; no amino-acid change (glutamine 347 retained).
Molecular consequence: synonymous variant. On other transcripts: non-coding transcript variant (1).
Genome position (GRCh38, 1-based): chr11:1,445,634, G>A. VCF-style: chr11-1445634-G-A. GRCh37 (hg19) VCF-style: chr11-1466864-G-A.
Other names: c.1041G>A, p.Gln347= (NM_001256629.2, NM_003957.4); c.1179G>A, p.Gln393= (NM_001256630.1); c.861G>A, p.Gln287= (NM_001282218.2).
Identifiers: ClinVar variation 3257110 (VCV003257110.17).

ClinVar aggregate classification (germline): Likely benign (1 of 4 stars; one submission).

gnomAD v4.1: 9 of 1,585,586 alleles (0.00057%); highest among the groups gnomAD compares: Middle Eastern, 0.033%; no homozygotes.

Submission:

CeGaT Center for Human Genetics Tuebingen
Classification: Likely benign. Last evaluated: 2024-07-01. Review status: criteria provided, single submitter. Criteria: CeGaT Center For Human Genetics Tuebingen Variant Classification Criteria Version 2. Collection method: clinical testing. Allele origin: germline. Affected: yes. Observed: 1 variant allele.
Comment: BRSK2: BP4, BP7